The following is an entry in ClinVar:

NM_000262.3(NAGA):c.314T>A (p.Leu105Gln)

Genes: NAGA (alpha-N-acetylgalactosaminidase; minus strand), LOC126863160 (CDK7 strongly-dependent group 2 enhancer GRCh37_chr22:42462918-42464117; plus strand). Cytogenetic location: 22q13.2.
Variant type: single nucleotide variant.
Coding change: c.314T>A on transcript NM_000262.3 (MANE Select); coding-DNA position 314, T replaced by A.
Protein change: p.Leu105Gln; replaces leucine 105 with glutamine.
Molecular consequence: missense variant.
Genome position (GRCh38, 1-based): chr22:42,067,775, A>T on the plus strand (T>A on the coding strand, the complement: NAGA is on the minus strand). VCF-style: chr22-42067775-A-T. GRCh37 (hg19) VCF-style: chr22-42463779-A-T.
Other names: c.314T>A, p.Leu105Gln (NM_001362848.1, NM_001362850.1); short protein forms L105Q.
Identifiers: ClinVar variation 2829989 (VCV002829989.3), dbSNP rs759251501, ClinGen allele CA411769036.

ClinVar aggregate classification (germline): Uncertain significance (1 of 4 stars; one submission).

Conditions:
Alpha-N-acetylgalactosaminidase deficiency type 1. Also called: NAGA DEFICIENCY, TYPE I; NEUROAXONAL DYSTROPHY, SCHINDLER TYPE; SCHINDLER DISEASE, TYPE I; ALPHA-N-ACETYLGALACTOSAMINIDASE DEFICIENCY, TYPE I. Identifiers: Orphanet 3137, Orphanet 79279, Orphanet 79281, MedGen C1836544, MONDO:0012221, OMIM 609241.

Submission:

Labcorp Genetics (formerly Invitae), Labcorp
Classification: Uncertain significance for Alpha-N-acetylgalactosaminidase deficiency type 1. Last evaluated: 2023-11-17. Review status: criteria provided, single submitter. Criteria: Invitae Variant Classification Sherloc (09022015). Collection method: clinical testing. Allele origin: germline.
Comment: This sequence change replaces leucine, which is neutral and non-polar, with glutamine, which is neutral and polar, at codon 105 of the NAGA protein (p.Leu105Gln). This variant is not present in population databases (gnomAD no frequency). This variant has not been reported in the literature in individuals affected with NAGA-related conditions. Advanced modeling of protein sequence and biophysical properties (such as structural, functional, and spatial information, amino acid conservation, physicochemical variation, residue mobility, and thermodynamic stability) performed at Invitae indicates that this missense variant is expected to disrupt NAGA protein function with a positive predictive value of 80%. In summary, the available evidence is currently insufficient to determine the role of this variant in disease. Therefore, it has been classified as a Variant of Uncertain Significance.